The following is an entry in ClinVar:

NM_001292063.2(OTOG):c.8614C>T (p.Arg2872Ter)

Gene: OTOG (otogelin; plus strand). Cytogenetic location: 11p15.1.
Variant type: single nucleotide variant.
Coding change: c.8614C>T on transcript NM_001292063.2 (MANE Select); coding-DNA position 8614, C replaced by T.
Protein change: p.Arg2872Ter; replaces arginine 2872 with a stop codon.
Molecular consequence: nonsense.
Genome position (GRCh38, 1-based): chr11:17,645,816, C>T. VCF-style: chr11-17645816-C-T. GRCh37 (hg19) VCF-style: chr11-17667363-C-T.
Other names: c.8650C>T, p.Arg2884Ter (NM_001277269.2); short protein forms R2872*, R2884*.
Identifiers: ClinVar variation 3601562 (VCV003601562.1).

ClinVar aggregate classification (germline): Pathogenic (1 of 4 stars; one submission).

Conditions:
Autosomal recessive nonsyndromic hearing loss 18B. Also called: Deafness, autosomal recessive 18b. Identifiers: Orphanet 90636, MedGen C3554163, MONDO:0013985, OMIM 614945.

gnomAD v4.1: 5 of 1,550,944 alleles (0.00032%); highest among the groups gnomAD compares: African/African-American, 0.0027%; no homozygotes.

Submission:

Institute of Rare Diseases, West China Hospital, Sichuan University
Classification: Pathogenic for Autosomal recessive nonsyndromic hearing loss 18B. Last evaluated: 2025-01-09. Review status: criteria provided, single submitter. Criteria: ClinGen HL ACMG Specifications v1. Collection method: research. Allele origin: germline. Affected: yes.
Comment: PVS1;PM3_Supporting;PM2_Supporting